The following is an entry in ClinVar:

ClinVar aggregate classification (germline): Pathogenic (1 of 4 stars; one submission).

Submission:

GeneDx
Classification: Pathogenic. Last evaluated: 2014-09-15. Review status: criteria provided, single submitter. Criteria: GeneDx Variant Classification (06012015). Collection method: clinical testing. Allele origin: germline. Affected: yes.
Comment: p.Glu1916Ter (GAA>TAA): c.5746 G>T in exon 26 of the SCN1A gene (NM_001165963.1) The E1916X nonsense mutation in the SCN1A gene is predicted to cause loss of normal protein function either through protein truncation due to loss of the last 94 residues of the protein, or nonsense-mediated mRNA decay. E1916X was not observed in approximately 6,500 individuals of European and African American ancestry in the NHLBI Exome Sequencing Project, indicating it is not a common benign variant in these populations. Nonsense mutations in nearby residues (R1912X and Y1926X) have been reported in association with Dravet syndrome and myoclonic epilepsy of infancy, respectively. The variant is found in INFANT-EPI panel(s).

NM_001165963.4(SCN1A):c.5746G>T (p.Glu1916Ter)

Genes: SCN1A (sodium voltage-gated channel alpha subunit 1; minus strand), LOC102724058 (uncharacterized LOC102724058; plus strand). Cytogenetic location: 2q24.3.
Variant type: single nucleotide variant.
Coding change: c.5746G>T on transcript NM_001165963.4 (MANE Select); coding-DNA position 5746, G replaced by T.
Protein change: p.Glu1916Ter; replaces glutamic acid 1916 with a stop codon.
Molecular consequence: nonsense. On other transcripts: non-coding transcript variant (1).
Genome position (GRCh38, 1-based): chr2:165,991,529, C>A on the plus strand (G>T on the coding strand, the complement: SCN1A is on the minus strand). VCF-style: chr2-165991529-C-A. GRCh37 (hg19) VCF-style: chr2-166848039-C-A.
Other names: p.E1916*:GAA>TAA; c.5662G>T, p.Glu1888Ter (NM_001165964.3, NM_001353957.2, NM_001353958.2); c.5746G>T, p.Glu1916Ter (NM_001202435.3, NM_001353948.2); c.5713G>T, p.Glu1905Ter (NM_001353949.2, NM_001353950.2, NM_001353951.2 and 2 more transcripts); c.5710G>T, p.Glu1904Ter (NM_001353954.2, NM_001353955.2); c.5659G>T, p.Glu1887Ter (NM_001353960.2); c.3304G>T, p.Glu1102Ter (NM_001353961.2); short protein forms E1905*, E1916*, E1887*, E1888*, E1904*, E1102*.
Identifiers: ClinVar variation 206878 (VCV000206878.2), dbSNP rs796053046, ClinGen allele CA317657.